The following is an entry in ClinVar:

ClinVar aggregate classification (germline): Likely benign (0 of 4 stars; one submission).

Conditions:
UBR4-related disorder. Also called: UBR4-related condition.

Allele frequency attached by ClinVar (database versions not stated): 1000 Genomes Project 30x 0.00062; gnomAD exomes 0.00065; gnomAD 0.00073; TOPMed 0.00077; 1000 Genomes Project 0.00080; ESP Exome Variant Server 0.00092; ExAC 0.00109.

Submission:

PreventionGenetics, part of Exact Sciences
Classification: Likely benign for UBR4-related condition. Last evaluated: 2019-02-19. Review status: no assertion criteria provided. Collection method: clinical testing. Allele origin: germline.
Comment: This variant is classified as likely benign based on ACMG/AMP sequence variant interpretation guidelines (Richards et al. 2015 PMID: 25741868, with internal and published modifications).

NM_020765.3(UBR4):c.10245C>T (p.Phe3415=)

Genes: UBR4 (ubiquitin protein ligase E3 component n-recognin 4; minus strand), LOC126805641 (BRD4-independent group 4 enhancer GRCh37_chr1:19446050-19447249; plus strand). Cytogenetic location: 1p36.13.
Variant type: single nucleotide variant.
Coding change: c.10245C>T on transcript NM_020765.3 (MANE Select); coding-DNA position 10245, C replaced by T.
Protein change: p.Phe3415=; no amino-acid change (phenylalanine 3415 retained).
Molecular consequence: synonymous variant.
Genome position (GRCh38, 1-based): chr1:19,120,245, G>A on the plus strand (C>T on the coding strand, the complement: UBR4 is on the minus strand). VCF-style: chr1-19120245-G-A. GRCh37 (hg19) VCF-style: chr1-19446739-G-A.
Identifiers: ClinVar variation 3050592 (VCV003050592.2), dbSNP rs34261568, ClinGen allele CA649256.